The following is an entry in ClinVar:

ClinVar aggregate classification (germline): Uncertain significance (1 of 4 stars; one submission).

Conditions:
IVD-related disorder. Also called: IVD-related condition.

Allele frequency attached by ClinVar (database versions not stated): ExAC 0.00001; gnomAD 0.00001; TOPMed 0.00001; ESP Exome Variant Server 0.00008.
gnomAD v4.1: 3 of 1,614,100 alleles (0.00019%); highest among the groups gnomAD compares: African/African-American, 0.0027%; no homozygotes.

Submission:

PreventionGenetics, part of Exact Sciences
Classification: Uncertain significance for IVD-related condition. Last evaluated: 2023-09-05. Review status: criteria provided, single submitter. Criteria: ACMG Guidelines, 2015. Collection method: clinical testing. Allele origin: germline.
Comment: The IVD c.1205T>A variant is predicted to result in the amino acid substitution p.Leu402Gln. To our knowledge, this variant has not been reported in the literature. This variant is reported in 0.0062% of alleles in individuals of African descent in gnomAD. At this time, the clinical significance of this variant is uncertain due to the absence of conclusive functional and genetic evidence.

NM_002225.5(IVD):c.1196T>A (p.Leu399Gln)

Gene: IVD (isovaleryl-CoA dehydrogenase; plus strand). Cytogenetic location: 15q15.1.
Variant type: single nucleotide variant.
Coding change: c.1196T>A on transcript NM_002225.5 (MANE Select); coding-DNA position 1196, T replaced by A.
Protein change: p.Leu399Gln; replaces leucine 399 with glutamine.
Molecular consequence: missense variant. On other transcripts: intron variant (3).
Genome position (GRCh38, 1-based): chr15:40,418,187, T>A. VCF-style: chr15-40418187-T-A. GRCh37 (hg19) VCF-style: chr15-40710386-T-A.
Other names: c.1106T>A, p.Leu369Gln (NM_001159508.3); c.1148T>A, p.Leu383Gln (NM_001354597.3); c.1283T>A, p.Leu428Gln (NM_001354599.3); c.1225+1825T>A (NM_001354600.3); c.1138+1825T>A (NM_001354598.3, NM_001354601.3); short protein forms L369Q, L383Q, L399Q, L428Q.
Identifiers: ClinVar variation 2630667 (VCV002630667.1), dbSNP rs368989378, ClinGen allele CA7480917.